The following is an entry in ClinVar:

ClinVar aggregate classification (germline): Benign/Likely benign. Review status: criteria provided, multiple submitters, no conflicts (2 of 4 stars). 4 submissions from 4 submitters: Benign (1); Likely benign (3). Last evaluated 2026-08-01.

Allele frequency attached by ClinVar (database versions not stated): ESP Exome Variant Server 0.00195; gnomAD exomes 0.00228 and 0.00441; TOPMed 0.00244; gnomAD 0.00278 and 0.00296; ExAC 0.00301.
gnomAD v4.1: 6,685 of 1,602,614 alleles (0.42%); highest among the groups gnomAD compares: Non-Finnish European, 0.53%; 22 homozygotes.

Submissions (4):

CeGaT Center for Human Genetics Tuebingen
Classification: Likely benign. Last evaluated: 2026-08-01. Review status: criteria provided, single submitter. Criteria: CeGaT Center For Human Genetics Tuebingen Variant Classification Criteria Version 2. Collection method: clinical testing. Allele origin: germline. Affected: yes. Observed: 11 variant alleles.
Comment: CTDP1: BP4, BP7, BS2

Mayo Clinic Laboratories, Mayo Clinic
Classification: Likely benign. Last evaluated: 2025-06-24. Review status: criteria provided, single submitter. Criteria: ACMG Guidelines, 2015. Collection method: clinical testing. Allele origin: germline. Observed: 26 variant alleles.
Comment: BS2, BP4, BP7

Blueprint Genetics
Classification: Likely benign. Last evaluated: 2024-11-11. Review status: criteria provided, single submitter. Criteria: ACMG Guidelines, 2015. Collection method: clinical testing. Allele origin: germline.

Labcorp Genetics (formerly Invitae), Labcorp
Classification: Benign. Last evaluated: 2019-12-31. Review status: criteria provided, single submitter. Criteria: Invitae Variant Classification Sherloc (09022015). Collection method: clinical testing. Allele origin: germline.

NM_004715.5(CTDP1):c.1311G>A (p.Pro437=)

Gene: CTDP1 (CTD phosphatase 1; plus strand). Cytogenetic location: 18q23.
Variant type: single nucleotide variant.
Coding change: c.1311G>A on transcript NM_004715.5 (MANE Select); coding-DNA position 1311, G replaced by A.
Protein change: p.Pro437=; no amino-acid change (proline 437 retained).
Molecular consequence: synonymous variant.
Genome position (GRCh38, 1-based): chr18:79,714,771, G>A. VCF-style: chr18-79714771-G-A. GRCh37 (hg19) VCF-style: chr18-77474771-G-A.
Other names: p.Pro437=; c.954G>A, p.Pro318= (NM_001202504.1); c.1311G>A, p.Pro437= (NM_001318511.2, NM_048368.4).
Identifiers: ClinVar variation 710641 (VCV000710641.38), dbSNP rs373108713, ClinGen allele CA9010277.